The following is an entry in ClinVar:

ClinVar aggregate classification (germline): Uncertain significance (1 of 4 stars; one submission).

Submission:

GeneDx
Classification: Uncertain significance. Last evaluated: 2026-04-02. Review status: criteria provided, single submitter. Criteria: GeneDx Variant Classification Process June 2021. Collection method: clinical testing. Allele origin: germline.
Comment: Not observed at significant frequency in large population cohorts (gnomAD); Has not been previously published as pathogenic or benign to our knowledge; Canonical splice site variant with an unclear effect on protein function

NM_000394.4(CRYAA):c.190-2A>G

Gene: CRYAA (crystallin alpha A; plus strand). Cytogenetic location: 21q22.3.
Variant type: single nucleotide variant.
Coding change: c.190-2A>G on transcript NM_000394.4 (MANE Select); the canonical splice acceptor site of the intron before coding-DNA position 190, A replaced by G.
Molecular consequence: splice acceptor variant.
Genome position (GRCh38, 1-based): chr21:43,170,515, A>G. VCF-style: chr21-43170515-A-G. GRCh37 (hg19) VCF-style: chr21-44590625-A-G.
Other names: c.79-2A>G (NM_001363766.1).
Identifiers: ClinVar variation 5017217 (VCV005017217.1).
Genomic context (GRCh38, chr21:43,170,515, plus strand): 5'-CTGCCAACCCCAGCAGGGACGGCACCCTCTGGGCAGCTCCACATGGCACGTTTGGATTTC[A>G]GGTTCGATCCGACCGGGACAAGTTCGTCATCTTCCTCGATGTGAAGCACTTCTCCCCGGA-3'